The following is an entry in ClinVar:

NM_033118.4(MYLK2):c.17G>A (p.Gly6Glu)

Gene: MYLK2 (myosin light chain kinase 2; plus strand). Cytogenetic location: 20q11.21.
Variant type: single nucleotide variant.
Coding change: c.17G>A on transcript NM_033118.4 (MANE Select); coding-DNA position 17, G replaced by A.
Protein change: p.Gly6Glu; replaces glycine 6 with glutamic acid.
Molecular consequence: missense variant.
Genome position (GRCh38, 1-based): chr20:31,819,597, G>A. VCF-style: chr20-31819597-G-A. GRCh37 (hg19) VCF-style: chr20-30407400-G-A.
Other names: short protein forms G6E.
Identifiers: ClinVar variation 952897 (VCV000952897.9), dbSNP rs2062241270, ClinGen allele CA408524741.

ClinVar aggregate classification (germline): Uncertain significance (1 of 4 stars; one submission).

Conditions:
Hypertrophic cardiomyopathy 1 (CMH1). Also called: Familial hypertrophic cardiomyopathy 1; MYH7-Related Familial Hypertrophic Cardiomyopathy. Identifiers: MedGen C3495498, MONDO:0008647, OMIM 192600.

Allele frequency attached by ClinVar (database versions not stated): gnomAD exomes below 0.00001.
gnomAD v4.1: 2 of 1,551,598 alleles (0.00013%); highest among the groups gnomAD compares: Non-Finnish European, 0.00017%; no homozygotes.

Submission:

Labcorp Genetics (formerly Invitae), Labcorp
Classification: Uncertain significance for Hypertrophic cardiomyopathy 1. Last evaluated: 2022-11-20. Review status: criteria provided, single submitter. Criteria: Invitae Variant Classification Sherloc (09022015). Collection method: clinical testing. Allele origin: germline.
Comment: In summary, the available evidence is currently insufficient to determine the role of this variant in disease. Therefore, it has been classified as a Variant of Uncertain Significance. Algorithms developed to predict the effect of missense changes on protein structure and function output the following: SIFT: "Deleterious"; PolyPhen-2: "Probably Damaging"; Align-GVGD: "Class C0". The glutamic acid amino acid residue is found in multiple mammalian species, which suggests that this missense change does not adversely affect protein function. ClinVar contains an entry for this variant (Variation ID: 952897). This variant has not been reported in the literature in individuals affected with MYLK2-related conditions. This variant is not present in population databases (gnomAD no frequency). This sequence change replaces glycine, which is neutral and non-polar, with glutamic acid, which is acidic and polar, at codon 6 of the MYLK2 protein (p.Gly6Glu).